The following is an entry in ClinVar:

ClinVar aggregate classification (germline): Conflicting classifications of pathogenicity. Review status: criteria provided, conflicting classifications (1 of 4 stars). 2 submissions from 2 submitters: Uncertain significance (1); Likely benign (1). Last evaluated 2026-02-17.

Conditions:
Inborn genetic diseases. Identifiers: MedGen C0950123, MeSH D030342.
SCAPER-related disorder. Also called: SCAPER-related condition.

gnomAD v4.1: 60 of 1,613,028 alleles (0.0037%); highest among the groups gnomAD compares: Middle Eastern, 0.016%; no homozygotes.

Submissions (2):

PreventionGenetics, part of Exact Sciences
Classification: Uncertain significance for SCAPER-related condition. Last evaluated: 2026-02-17. Review status: criteria provided, single submitter. Criteria: ACMG Guidelines, 2015. Collection method: clinical testing. Allele origin: germline.
Comment: The SCAPER c.1111T>C variant is predicted to result in the amino acid substitution p.Ser371Pro. To our knowledge, this variant has not been reported in the literature. This variant is reported in 0.020% of alleles in individuals of Latino descent in gnomAD. At this time, the clinical significance of this variant is uncertain due to the absence of conclusive functional and genetic evidence.

Ambry Genetics
Classification: Likely benign for Inborn genetic diseases. Last evaluated: 2025-08-27. Review status: criteria provided, single submitter. Criteria: Ambry Variant Classification Scheme 2023. Collection method: clinical testing. Allele origin: germline.

NM_020843.4(SCAPER):c.1111T>C (p.Ser371Pro)

Gene: SCAPER (S-phase cyclin A associated protein in the ER; minus strand). Cytogenetic location: 15q24.3.
Variant type: single nucleotide variant.
Coding change: c.1111T>C on transcript NM_020843.4 (MANE Select); coding-DNA position 1111, T replaced by C.
Protein change: p.Ser371Pro; replaces serine 371 with proline.
Molecular consequence: missense variant. On other transcripts: non-coding transcript variant (1).
Genome position (GRCh38, 1-based): chr15:76,771,879, A>G on the plus strand (T>C on the coding strand, the complement: SCAPER is on the minus strand). VCF-style: chr15-76771879-A-G. GRCh37 (hg19) VCF-style: chr15-77064220-A-G.
Other names: c.1111T>C (NM_001353009.1); c.373T>C, p.Ser125Pro (NM_001145923.2); c.1111T>C, p.Ser371Pro (NM_001353009.2); c.709T>C, p.Ser237Pro (NM_001353010.2, NM_001353011.2, NM_001353012.2); short protein forms S237P, S371P, S125P.
Identifiers: ClinVar variation 4160234 (VCV004160234.2).